The following is an entry in ClinVar:

ClinVar aggregate classification (germline): Uncertain significance (1 of 4 stars; one submission).

Allele frequency attached by ClinVar (database versions not stated): gnomAD 0.00001; gnomAD exomes 0.00001; ExAC 0.00002; 1000 Genomes Project 30x 0.00031; 1000 Genomes Project 0.00040.
gnomAD v4.1: 15 of 1,603,672 alleles (0.00094%); highest among the groups gnomAD compares: South Asian, 0.016%; no homozygotes.

Submission:

Labcorp Genetics (formerly Invitae), Labcorp
Classification: Uncertain significance. Last evaluated: 2023-10-03. Review status: criteria provided, single submitter. Criteria: Invitae Variant Classification Sherloc (09022015). Collection method: clinical testing. Allele origin: germline.
Comment: This sequence change replaces aspartic acid, which is acidic and polar, with asparagine, which is neutral and polar, at codon 69 of the MICU1 protein (p.Asp69Asn). This variant is present in population databases (rs539140941, gnomAD 0.007%). This variant has not been reported in the literature in individuals affected with MICU1-related conditions. Experimental studies and prediction algorithms are not available or were not evaluated, and the functional significance of this variant is currently unknown. In summary, the available evidence is currently insufficient to determine the role of this variant in disease. Therefore, it has been classified as a Variant of Uncertain Significance.

NM_001195518.2(MICU1):c.205G>A (p.Asp69Asn)

Gene: MICU1 (mitochondrial calcium uptake 1; minus strand). Cytogenetic location: 10q22.1.
Variant type: single nucleotide variant.
Coding change: c.205G>A on transcript NM_001195518.2 (MANE Select); coding-DNA position 205, G replaced by A.
Protein change: p.Asp69Asn; replaces aspartic acid 69 with asparagine.
Molecular consequence: missense variant.
Genome position (GRCh38, 1-based): chr10:72,563,020, C>T on the plus strand (G>A on the coding strand, the complement: MICU1 is on the minus strand). VCF-style: chr10-72563020-C-T. GRCh37 (hg19) VCF-style: chr10-74322778-C-T.
Other names: c.205G>A, p.Asp69Asn (NM_001363513.2, NM_006077.4); short protein forms D69N.
Identifiers: ClinVar variation 3020934 (VCV003020934.3), dbSNP rs539140941, ClinGen allele CA5550323.